The following is an entry in ClinVar:

NM_001113378.2(FANCI):c.304G>A (p.Gly102Arg)

Gene: FANCI (FA complementation group I; plus strand). Cytogenetic location: 15q26.1.
Variant type: single nucleotide variant.
Coding change: c.304G>A on transcript NM_001113378.2 (MANE Select); coding-DNA position 304, G replaced by A.
Protein change: p.Gly102Arg; replaces glycine 102 with arginine.
Molecular consequence: missense variant.
Genome position (GRCh38, 1-based): chr15:89,261,600, G>A. VCF-style: chr15-89261600-G-A. GRCh37 (hg19) VCF-style: chr15-89804831-G-A.
Other names: c.25G>A, p.Gly9Arg (NM_001376910.1); c.304G>A, p.Gly102Arg (NM_001376911.1, NM_018193.3); short protein forms G102R, G9R.
Identifiers: ClinVar variation 864429 (VCV000864429.5), dbSNP rs1207482417, ClinGen allele CA393738187.
Genomic context (GRCh38, chr15:89,261,600, plus strand): 5'-CATTGGATTTCTGCTTGAGATTTCCTTTATCCTGTGAACTTTTAGGCTCACCATTTTCCA[G>A]GACCATTATTGGTTGAATTAGCCAATGAGTTTATTAGTGCTGTCAGAGAAGGCAGCCTAG-3'
Protein context (NP_001106849.1, residues 92-112): LLMLEAHHFP[Gly102Arg]PLLVELANEF

ClinVar aggregate classification (germline): Uncertain significance (1 of 4 stars; one submission).

Conditions:
Fanconi anemia (FA). Also called: Fanconi's anemia. Identifiers: Orphanet 84, MedGen C0015625, MeSH D005199, MONDO:0019391.

Allele frequency attached by ClinVar (database versions not stated): gnomAD exomes below 0.00001; TOPMed below 0.00001; gnomAD 0.00003 and 0.00004.
gnomAD v4.1: 7 of 1,613,996 alleles (0.00043%); highest among the groups gnomAD compares: Admixed American, 0.0083%; no homozygotes.

Submission:

Labcorp Genetics (formerly Invitae), Labcorp
Classification: Uncertain significance for Fanconi anemia. Last evaluated: 2021-09-10. Review status: criteria provided, single submitter. Criteria: Invitae Variant Classification Sherloc (09022015). Collection method: clinical testing. Allele origin: germline.
Comment: This sequence change replaces glycine with arginine at codon 102 of the FANCI protein (p.Gly102Arg). The glycine residue is highly conserved and there is a moderate physicochemical difference between glycine and arginine. This variant is not present in population databases (ExAC no frequency). This variant has not been reported in the literature in individuals affected with FANCI-related conditions. ClinVar contains an entry for this variant (Variation ID: 864429). Algorithms developed to predict the effect of missense changes on protein structure and function are either unavailable or do not agree on the potential impact of this missense change (SIFT: "Deleterious"; PolyPhen-2: "Benign"; Align-GVGD: "Class C0"). Algorithms developed to predict the effect of sequence changes on RNA splicing suggest that this variant may create or strengthen a splice site. In summary, the available evidence is currently insufficient to determine the role of this variant in disease. Therefore, it has been classified as a Variant of Uncertain Significance.